The following is an entry in ClinVar:

NM_001023.4(RPS20):c.4-4A>G

Gene: RPS20 (ribosomal protein S20; minus strand). Cytogenetic location: 8q12.1.
Variant type: single nucleotide variant.
Coding change: c.4-4A>G on transcript NM_001023.4 (MANE Select); 4 bases into the intron before coding-DNA position 4, A replaced by G.
Molecular consequence: intron variant.
Genome position (GRCh38, 1-based): chr8:56,074,163, T>C on the plus strand (A>G on the coding strand, the complement: RPS20 is on the minus strand). VCF-style: chr8-56074163-T-C. GRCh37 (hg19) VCF-style: chr8-56986722-T-C.
Other names: c.4-4A>G (NM_001146227.3, NM_001023.3).
Identifiers: ClinVar variation 1510341 (VCV001510341.9), dbSNP rs2129213433, ClinGen allele CA2573143185.

ClinVar aggregate classification (germline): Uncertain significance. Review status: criteria provided, multiple submitters, no conflicts (2 of 4 stars). 2 submissions from 2 submitters: Uncertain significance (2). Last evaluated 2025-08-21.

Allele frequency attached by ClinVar (database versions not stated): gnomAD exomes below 0.00001.
gnomAD v4.1: 1 of 1,608,630 alleles (0.000062%); highest among the groups gnomAD compares: Non-Finnish European, 0.000085%; no homozygotes.

Submissions (2):

Ambry Genetics
Classification: Uncertain significance. Last evaluated: 2025-08-21. Review status: criteria provided, single submitter. Criteria: Ambry Variant Classification Scheme 2023. Collection method: clinical testing. Allele origin: germline.
Comment: The c.4-4A>G intronic variant results from an A to G substitution 4 nucleotides upstream from coding exon 2 in the RPS20 gene. This nucleotide position is not well conserved in available vertebrate species. In silico splice site analysis predicts that this alteration will result in the creation or strengthening of a novel splice acceptor site. Based on the available evidence, the clinical significance of this variant remains unclear.

Labcorp Genetics (formerly Invitae), Labcorp
Classification: Uncertain significance. Last evaluated: 2021-02-15. Review status: criteria provided, single submitter. Criteria: Invitae Variant Classification Sherloc (09022015). Collection method: clinical testing. Allele origin: germline.
Comment: This variant has not been reported in the literature in individuals with RPS20-related conditions. This variant is not present in population databases (ExAC no frequency). This sequence change falls in intron 1 of the RPS20 gene. It does not directly change the encoded amino acid sequence of the RPS20 protein. In summary, the available evidence is currently insufficient to determine the role of this variant in disease. Therefore, it has been classified as a Variant of Uncertain Significance. Algorithms developed to predict the effect of sequence changes on RNA splicing suggest that this variant may disrupt the consensus splice site, but this prediction has not been confirmed by published transcriptional studies.